The following is an entry in ClinVar:

NM_005751.5(AKAP9):c.10294G>A (p.Glu3432Lys)

Gene: AKAP9 (A-kinase anchoring protein 9; plus strand). Cytogenetic location: 7q21.2.
Variant type: single nucleotide variant.
Coding change: c.10294G>A on transcript NM_005751.5 (MANE Select); coding-DNA position 10294, G replaced by A.
Protein change: p.Glu3432Lys; replaces glutamic acid 3432 with lysine.
Molecular consequence: missense variant.
Genome position (GRCh38, 1-based): chr7:92,097,253, G>A. VCF-style: chr7-92097253-G-A. GRCh37 (hg19) VCF-style: chr7-91726567-G-A.
Other names: c.4939G>A, p.Glu1647Lys (NM_001379277.1); c.10270G>A, p.Glu3424Lys (NM_147185.3); short protein forms E3432K, E1647K, E3424K.
Identifiers: ClinVar variation 4033631 (VCV004033631.1).

ClinVar aggregate classification (germline): Uncertain significance (1 of 4 stars; one submission).

Conditions:
Cardiovascular phenotype. Identifiers: MedGen CN230736.

gnomAD v4.1: 2 of 1,613,756 alleles (0.00012%); highest among the groups gnomAD compares: African/African-American, 0.0027%; no homozygotes.

Submission:

Ambry Genetics
Classification: Uncertain significance for Cardiovascular phenotype. Last evaluated: 2025-03-23. Review status: criteria provided, single submitter. Criteria: Ambry Variant Classification Scheme 2023. Collection method: clinical testing. Allele origin: germline.
Comment: The p.E3432K variant (also known as c.10294G>A), located in coding exon 41 of the AKAP9 gene, results from a G to A substitution at nucleotide position 10294. The glutamic acid at codon 3432 is replaced by lysine, an amino acid with similar properties. This amino acid position is conserved. In addition, this alteration is predicted to be tolerated by in silico analysis. Based on the available evidence, the clinical significance of this variant remains unclear.